The following is an entry in ClinVar:

NM_001324144.2(ZNF41):c.904G>T (p.Asp302Tyr)

Gene: ZNF41 (zinc finger protein 41; minus strand). Cytogenetic location: Xp11.3.
Variant type: single nucleotide variant.
Coding change: c.904G>T on transcript NM_001324144.2 (MANE Select); coding-DNA position 904, G replaced by T.
Protein change: p.Asp302Tyr; replaces aspartic acid 302 with tyrosine.
Molecular consequence: missense variant.
Genome position (GRCh38, 1-based): chrX:47,448,866, C>A on the plus strand (G>T on the coding strand, the complement: ZNF41 is on the minus strand). VCF-style: chrX-47448866-C-A. GRCh37 (hg19) VCF-style: chrX-47308265-C-A.
Other names: c.646G>T, p.Asp216Tyr (NM_001324139.2, NM_001324141.2, NM_001324143.2 and 3 more transcripts); c.904G>T, p.Asp302Tyr (NM_001324140.2, NM_001324147.2, NM_001324150.2 and 2 more transcripts); c.910G>T, p.Asp304Tyr (NM_001324142.2, NM_001324148.2); c.934G>T, p.Asp312Tyr (NM_001324151.2, NM_001324153.2); c.1006G>T, p.Asp336Tyr (NM_001324154.1); c.1030G>T, p.Asp344Tyr (NM_001324155.1); c.802G>T, p.Asp268Tyr (NM_001324156.1); c.796G>T, p.Asp266Tyr (NM_001324157.1); and 1 more; short protein forms D216Y, D266Y, D268Y, D302Y, D304Y, D312Y, D336Y, D344Y.
Identifiers: ClinVar variation 3026462 (VCV003026462.23), dbSNP rs199838658, ClinGen allele CA10397740.

ClinVar aggregate classification (germline): Conflicting classifications of pathogenicity. Review status: criteria provided, conflicting classifications (1 of 4 stars). 2 submissions from 2 submitters: Uncertain significance (1); Likely benign (1). Last evaluated 2024-07-09.

Allele frequency attached by ClinVar (database versions not stated): ExAC 0.00001; gnomAD exomes 0.00001; gnomAD 0.00003; TOPMed 0.00005.
gnomAD v4.1: 12 of 1,209,580 alleles (0.00099%); highest among the groups gnomAD compares: Non-Finnish European, 0.0012%; no homozygotes.

Submissions (2):

Ambry Genetics
Classification: Uncertain significance. Last evaluated: 2024-07-09. Review status: criteria provided, single submitter. Criteria: Ambry Variant Classification Scheme 2023. Collection method: clinical testing. Allele origin: germline.

CeGaT Center for Human Genetics Tuebingen
Classification: Likely benign. Last evaluated: 2024-02-01. Review status: criteria provided, single submitter. Criteria: CeGaT Center For Human Genetics Tuebingen Variant Classification Criteria Version 2. Collection method: clinical testing. Allele origin: germline. Affected: yes. Observed: 1 variant allele.
Comment: ZNF41: BP4